The following is an entry in ClinVar:

ClinVar aggregate classification (germline): Uncertain significance (1 of 4 stars; one submission).

Conditions:
Hereditary cancer-predisposing syndrome. Also called: Hereditary Cancer Syndrome; Hereditary neoplastic syndrome; Neoplastic Syndromes, Hereditary; Tumor predisposition. Identifiers: Orphanet 140162, MedGen C0027672, MeSH D009386, MONDO:0015356.

Submission:

Ambry Genetics
Classification: Uncertain significance for Hereditary cancer-predisposing syndrome. Last evaluated: 2025-03-19. Review status: criteria provided, single submitter. Criteria: Ambry Variant Classification Scheme 2023. Collection method: clinical testing. Allele origin: germline.
Comment: The c.3556+284C>G intronic variant results from a C to G substitution 284 nucleotides after coding exon 6 in the MSH6 gene. This nucleotide position is well conserved on limited sequence alignment. In silico splice site analysis for this alteration is inconclusive and direct evidence is insufficient at this time (Ambry internal data). Based on the available evidence, the clinical significance of this variant remains unclear.

NM_000179.3(MSH6):c.3556+284C>G

Gene: MSH6 (mutS homolog 6; plus strand). Cytogenetic location: 2p16.3.
Variant type: single nucleotide variant.
Coding change: c.3556+284C>G on transcript NM_000179.3 (MANE Select); 284 bases into the intron after coding-DNA position 3556, C replaced by G.
Molecular consequence: intron variant.
Genome position (GRCh38, 1-based): chr2:47,805,311, C>G. VCF-style: chr2-47805311-C-G. GRCh37 (hg19) VCF-style: chr2-48032450-C-G.
Other names: c.3556+284C>G (NM_001406809.1, NM_001406796.1, NM_001406808.1 and 1 more transcripts); c.2650+284C>G (NM_001406811.1, NM_001406814.1, NM_001281493.2 and 6 more transcripts); c.3259+284C>G (NM_001406805.1, NM_001406797.1, NM_001406801.1 and 10 more transcripts); c.3652+284C>G (NM_001406795.1, NM_001406802.1); c.3562+284C>G (NM_001406813.1); c.3031+284C>G (NM_001406807.1, NM_001406799.1, NM_001406806.1); c.3382+284C>G (NM_001406798.1); c.2692+284C>G (NM_001406803.1); and 7 more.
Identifiers: ClinVar variation 3913760 (VCV003913760.1).
Genomic context (GRCh38, chr2:47,805,311, plus strand): 5'-GCTCACTGCAACCTCTGCTTCCAGGTTCAAGTGATTCTCCTGCCTCAGCCTCTCGAGTAG[C>G]TGGGATTACAGGCGCATGCCATCACGCCCAGCTAATTTTTTGTATTTTTAGTAGAAGCGG-3'